The following is an entry in ClinVar:

ClinVar aggregate classification (germline): Uncertain significance (1 of 4 stars; one submission).

Submission:

Labcorp Genetics (formerly Invitae), Labcorp
Classification: Uncertain significance. Last evaluated: 2021-09-21. Review status: criteria provided, single submitter. Criteria: Invitae Variant Classification Sherloc (09022015). Collection method: clinical testing. Allele origin: germline.
Comment: This sequence change replaces tyrosine with histidine at codon 349 of the P3H2 protein (p.Tyr349His). The tyrosine residue is highly conserved and there is a moderate physicochemical difference between tyrosine and histidine. This variant is not present in population databases (ExAC no frequency). This variant has not been reported in the literature in individuals affected with P3H2-related conditions. Algorithms developed to predict the effect of missense changes on protein structure and function (SIFT, PolyPhen-2, Align-GVGD) all suggest that this variant is likely to be disruptive. In summary, the available evidence is currently insufficient to determine the role of this variant in disease. Therefore, it has been classified as a Variant of Uncertain Significance.

NM_018192.4(P3H2):c.1045T>C (p.Tyr349His)

Gene: P3H2 (prolyl 3-hydroxylase 2; minus strand). Cytogenetic location: 3q28.
Variant type: single nucleotide variant.
Coding change: c.1045T>C on transcript NM_018192.4 (MANE Select); coding-DNA position 1045, T replaced by C.
Protein change: p.Tyr349His; replaces tyrosine 349 with histidine.
Molecular consequence: missense variant.
Genome position (GRCh38, 1-based): chr3:189,987,580, A>G on the plus strand (T>C on the coding strand, the complement: P3H2 is on the minus strand). VCF-style: chr3-189987580-A-G. GRCh37 (hg19) VCF-style: chr3-189705369-A-G.
Other names: c.502T>C, p.Tyr168His (NM_001134418.2); short protein forms Y168H, Y349H.
Identifiers: ClinVar variation 1369015 (VCV001369015.6), dbSNP rs2108919167, ClinGen allele CA355757706.